The following is an entry in ClinVar:

ClinVar aggregate classification (germline): Uncertain significance. Review status: criteria provided, multiple submitters, no conflicts (2 of 4 stars). 2 submissions from 2 submitters: Uncertain significance (2). Last evaluated 2025-05-29.

Conditions:
Congenital stationary night blindness 1D. Also called: Night blindness, congenital stationary (complete), 1D, autosomal recessive. Identifiers: Orphanet 215, MedGen C3151193, MONDO:0013450, OMIM 613830.

Allele frequency attached by ClinVar (database versions not stated): gnomAD exomes 0.00002.

Submissions (2):

Labcorp Genetics (formerly Invitae), Labcorp
Classification: Uncertain significance. Last evaluated: 2025-05-29. Review status: criteria provided, single submitter. Criteria: Invitae Variant Classification Sherloc (09022015). Collection method: clinical testing. Allele origin: germline.
Comment: This sequence change replaces aspartic acid, which is acidic and polar, with glutamic acid, which is acidic and polar, at codon 858 of the SLC24A1 protein (p.Asp858Glu). This variant is not present in population databases (gnomAD no frequency). This variant has not been reported in the literature in individuals affected with SLC24A1-related conditions. ClinVar contains an entry for this variant (Variation ID: 885498). An algorithm developed to predict the effect of missense changes on protein structure and function outputs the following: PolyPhen-2: "Benign". The glutamic acid amino acid residue is found in multiple mammalian species, which suggests that this missense change does not adversely affect protein function. In summary, the available evidence is currently insufficient to determine the role of this variant in disease. Therefore, it has been classified as a Variant of Uncertain Significance.

Illumina Laboratory Services, Illumina
Classification: Uncertain significance for Congenital stationary night blindness 1D. Last evaluated: 2018-01-13. Review status: criteria provided, single submitter. Criteria: ICSL Variant Classification Criteria 13 December 2019. Collection method: clinical testing. Allele origin: germline.

NM_004727.3(SLC24A1):c.2574T>G (p.Asp858Glu)

Gene: SLC24A1 (solute carrier family 24 member 1; plus strand). Cytogenetic location: 15q22.31.
Variant type: single nucleotide variant.
Coding change: c.2574T>G on transcript NM_004727.3 (MANE Select); coding-DNA position 2574, T replaced by G.
Protein change: p.Asp858Glu; replaces aspartic acid 858 with glutamic acid.
Molecular consequence: missense variant.
Genome position (GRCh38, 1-based): chr15:65,650,723, T>G. VCF-style: chr15-65650723-T-G. GRCh37 (hg19) VCF-style: chr15-65943061-T-G.
Other names: c.555T>G, p.Asp185Glu (NM_001254740.2); c.2574T>G, p.Asp858Glu (NM_001301031.1); c.2520T>G, p.Asp840Glu (NM_001301032.1, NM_001301033.2); short protein forms D185E, D840E, D858E.
Identifiers: ClinVar variation 885498 (VCV000885498.10), dbSNP rs2075467314, ClinGen allele CA392899770.